The following is an entry in ClinVar:

NM_001142864.4(PIEZO1):c.1296+8G>T

Genes: HSALR1 (HSP90AB1 associated lncRNA 1; plus strand), PIEZO1 (piezo type mechanosensitive ion channel component 1 (Er blood group); minus strand). Cytogenetic location: 16q24.3.
Variant type: single nucleotide variant.
Coding change: c.1296+8G>T on transcript NM_001142864.4 (MANE Select); 8 bases into the intron after coding-DNA position 1296, G replaced by T.
Molecular consequence: intron variant.
Genome position (GRCh38, 1-based): chr16:88,736,631, C>A on the plus strand (G>T on the coding strand, the complement: PIEZO1 is on the minus strand). VCF-style: chr16-88736631-C-A. GRCh37 (hg19) VCF-style: chr16-88803039-C-A.
Identifiers: ClinVar variation 1675643 (VCV001675643.34), dbSNP rs961586768, ClinGen allele CA286433367.

ClinVar aggregate classification (germline): Conflicting classifications of pathogenicity. Review status: criteria provided, conflicting classifications (1 of 4 stars). 2 submissions from 2 submitters: Uncertain significance (1); Likely benign (1). Last evaluated 2025-08-18.

Allele frequency attached by ClinVar (database versions not stated): gnomAD 0.00003; gnomAD exomes 0.00003 and 0.00005; TOPMed 0.00003.
gnomAD v4.1: 49 of 1,523,078 alleles (0.0032%); highest among the groups gnomAD compares: Non-Finnish European, 0.0041%; no homozygotes.

Submissions (2):

Labcorp Genetics (formerly Invitae), Labcorp
Classification: Likely benign. Last evaluated: 2025-08-18. Review status: criteria provided, single submitter. Criteria: Invitae Variant Classification Sherloc (09022015). Collection method: clinical testing. Allele origin: germline.

CeGaT Center for Human Genetics Tuebingen
Classification: Uncertain significance. Last evaluated: 2023-04-01. Review status: criteria provided, single submitter. Criteria: CeGaT Center For Human Genetics Tuebingen Variant Classification Criteria Version 2. Collection method: clinical testing. Allele origin: germline. Affected: yes. Observed: 2 variant alleles.
Comment: PIEZO1: PM2, BP4